The following is an entry in ClinVar:

ClinVar aggregate classification (germline): Uncertain significance (1 of 4 stars; one submission).

Conditions:
Cardiovascular phenotype. Identifiers: MedGen CN230736.

Allele frequency attached by ClinVar (database versions not stated): gnomAD 0.00001.
gnomAD v4.1: 1 of 1,608,076 alleles (0.000062%); highest among the groups gnomAD compares: African/African-American, 0.0013%; no homozygotes.

Submission:

Ambry Genetics
Classification: Uncertain significance for Cardiovascular phenotype. Last evaluated: 2023-04-05. Review status: criteria provided, single submitter. Criteria: Ambry Variant Classification Scheme 2023. Collection method: clinical testing. Allele origin: germline.
Comment: The p.P532A variant (also known as c.1594C>G), located in coding exon 27 of the TRDN gene, results from a C to G substitution at nucleotide position 1594. The proline at codon 532 is replaced by alanine, an amino acid with highly similar properties. This amino acid position is conserved. In addition, this alteration is predicted to be tolerated by in silico analysis. Since supporting evidence is limited at this time, the clinical significance of this alteration remains unclear.

NM_006073.4(TRDN):c.1594C>G (p.Pro532Ala)

Gene: TRDN (triadin; minus strand). Cytogenetic location: 6q22.31.
Variant type: single nucleotide variant.
Coding change: c.1594C>G on transcript NM_006073.4 (MANE Select); coding-DNA position 1594, C replaced by G.
Protein change: p.Pro532Ala; replaces proline 532 with alanine.
Molecular consequence: missense variant.
Genome position (GRCh38, 1-based): chr6:123,274,644, G>C on the plus strand (C>G on the coding strand, the complement: TRDN is on the minus strand). VCF-style: chr6-123274644-G-C. GRCh37 (hg19) VCF-style: chr6-123595789-G-C.
Other names: short protein forms P532A.
Identifiers: ClinVar variation 2562968 (VCV002562968.2), dbSNP rs1777311734, ClinGen allele CA365565079.